The following is an entry in ClinVar:

NM_001379659.1(ZNF142):c.2851A>G (p.Ser951Gly)

Gene: ZNF142 (zinc finger protein 142; minus strand). Cytogenetic location: 2q35.
Variant type: single nucleotide variant.
Coding change: c.2851A>G on transcript NM_001379659.1 (MANE Select); coding-DNA position 2851, A replaced by G.
Protein change: p.Ser951Gly; replaces serine 951 with glycine.
Molecular consequence: missense variant.
Genome position (GRCh38, 1-based): chr2:218,644,265, T>C on the plus strand (A>G on the coding strand, the complement: ZNF142 is on the minus strand). VCF-style: chr2-218644265-T-C. GRCh37 (hg19) VCF-style: chr2-219508988-T-C.
Other names: c.2251A>G, p.Ser751Gly (NM_001105537.5, NM_001366291.3, NM_001379662.1); c.1762A>G, p.Ser588Gly (NM_001366287.3, NM_001366288.3, NM_001366289.3); c.2851A>G, p.Ser951Gly (NM_001366290.3, NM_001379660.1, NM_001379661.1); c.2851A>G (NM_001366290.1); short protein forms S588G, S751G, S951G.
Identifiers: ClinVar variation 1266001 (VCV001266001.6), dbSNP rs3770214, ClinGen allele CA2109105.

ClinVar aggregate classification (germline): Benign. Review status: criteria provided, multiple submitters, no conflicts (2 of 4 stars). 4 submissions from 4 submitters: Benign (3). 1 of the submissions does not count toward it. Last evaluated 2021-12-05.

Conditions:
ZNF142-related disorder. Also called: ZNF142-related condition.
Neurodevelopmental disorder with impaired speech and hyperkinetic movements. Identifiers: MedGen C5193088, MONDO:0032741, OMIM 618425.

Allele frequency attached by ClinVar (database versions not stated): gnomAD exomes 0.63226 and 0.66887; ESP Exome Variant Server 0.67618; 1000 Genomes Project 30x 0.76343; ExAC 0.67114; 1000 Genomes Project 0.76478; gnomAD 0.67863 and 0.68248; TOPMed 0.68918.

Submissions (4):

Genome-Nilou Lab
Classification: Benign for Neurodevelopmental disorder with impaired speech and hyperkinetic movements. Last evaluated: 2021-12-05. Review status: criteria provided, single submitter. Criteria: ACMG Guidelines, 2015. Collection method: clinical testing. Allele origin: germline. Affected: no.

GeneDx
Classification: Benign. Last evaluated: 2021-05-05. Review status: criteria provided, single submitter. Criteria: GeneDx Variant Classification Process June 2021. Collection method: clinical testing. Allele origin: germline. Affected: yes.

Breakthrough Genomics
Classification: Benign. Review status: criteria provided, single submitter. Criteria: ACMG Guidelines, 2015. Collection method: not provided. Allele origin: germline. Inheritance: Autosomal recessive inheritance. Affected: yes.

PreventionGenetics, part of Exact Sciences
Classification: Benign for ZNF142-related condition. Last evaluated: 2019-10-30. Review status: no assertion criteria provided. Collection method: clinical testing. Allele origin: germline. Not counted in ClinVar's aggregate classification.
Comment: This variant is classified as benign based on ACMG/AMP sequence variant interpretation guidelines (Richards et al. 2015 PMID: 25741868, with internal and published modifications).